The following is an entry in ClinVar:

ClinVar aggregate classification (germline): Uncertain significance (1 of 4 stars; one submission).

Conditions:
Charcot-Marie-Tooth disease axonal type 2P. Also called: Charcot-Marie-Tooth Neuropathy Type 2G; CHARCOT-MARIE-TOOTH NEUROPATHY, TYPE 2P; CHARCOT-MARIE-TOOTH DISEASE, AXONAL, TYPE 2G; CMT 2G. Identifiers: Orphanet 300319, Orphanet 99941, MedGen C3280797, MONDO:0013753, OMIM 614436.

gnomAD v4.1: 2 of 1,614,032 alleles (0.00012%); highest among the groups gnomAD compares: African/African-American, 0.0013%; no homozygotes.

Submission:

Labcorp Genetics (formerly Invitae), Labcorp
Classification: Uncertain significance for Charcot-Marie-Tooth disease axonal type 2P. Last evaluated: 2025-10-17. Review status: criteria provided, single submitter. Criteria: Invitae Variant Classification Sherloc (09022015). Collection method: clinical testing. Allele origin: germline.
Comment: This sequence change replaces glutamic acid, which is acidic and polar, with alanine, which is neutral and non-polar, at codon 294 of the LRSAM1 protein (p.Glu294Ala). This variant is not present in population databases (gnomAD no frequency). This variant has not been reported in the literature in individuals affected with LRSAM1-related conditions. Invitae Evidence Modeling of protein sequence and biophysical properties (such as structural, functional, and spatial information, amino acid conservation, physicochemical variation, residue mobility, and thermodynamic stability) indicates that this missense variant is not expected to disrupt LRSAM1 protein function with a negative predictive value of 80%. In summary, the available evidence is currently insufficient to determine the role of this variant in disease. Therefore, it has been classified as a Variant of Uncertain Significance.

NM_001005373.4(LRSAM1):c.881A>C (p.Glu294Ala)

Gene: LRSAM1 (leucine rich repeat and sterile alpha motif containing 1; plus strand). Cytogenetic location: 9q33.3.
Variant type: single nucleotide variant.
Coding change: c.881A>C on transcript NM_001005373.4 (MANE Select); coding-DNA position 881, A replaced by C.
Protein change: p.Glu294Ala; replaces glutamic acid 294 with alanine.
Molecular consequence: missense variant. On other transcripts: non-coding transcript variant (2).
Genome position (GRCh38, 1-based): chr9:127,479,483, A>C. VCF-style: chr9-127479483-A-C. GRCh37 (hg19) VCF-style: chr9-130241762-A-C.
Other names: c.881A>C, p.Glu294Ala (NM_001005374.4, NM_001190723.3, NM_001384142.1 and 2 more transcripts); c.92A>C, p.Glu31Ala (NM_001384144.1); short protein forms E294A, E31A.
Identifiers: ClinVar variation 4693761 (VCV004693761.1).